The following is an entry in ClinVar:

ClinVar aggregate classification (germline): Uncertain significance (1 of 4 stars; one submission).

Conditions:
Charcot-Marie-Tooth disease type 4. Also called: Charcot-Marie-Tooth disease, type IV; Charcot-Marie-Tooth, Type 4. Identifiers: Orphanet 64749, MedGen C4082197, MONDO:0018995.

Allele frequency attached by ClinVar (database versions not stated): ExAC below 0.00001; gnomAD 0.00001; gnomAD exomes 0.00001; TOPMed 0.00001.
gnomAD v4.1: 15 of 1,564,928 alleles (0.00096%); highest among the groups gnomAD compares: East Asian, 0.0023%; no homozygotes.

Submission:

Labcorp Genetics (formerly Invitae), Labcorp
Classification: Uncertain significance for Charcot-Marie-Tooth disease type 4. Last evaluated: 2023-07-10. Review status: criteria provided, single submitter. Criteria: Invitae Variant Classification Sherloc (09022015). Collection method: clinical testing. Allele origin: germline.
Comment: ClinVar contains an entry for this variant (Variation ID: 941162). In summary, the available evidence is currently insufficient to determine the role of this variant in disease. Therefore, it has been classified as a Variant of Uncertain Significance. An algorithm developed to predict the effect of missense changes on protein structure and function (PolyPhen-2) suggests that this variant is likely to be disruptive. This variant has not been reported in the literature in individuals affected with PRX-related conditions. The frequency data for this variant in the population databases is considered unreliable, as metrics indicate poor data quality at this position in the gnomAD database. This sequence change replaces glutamic acid, which is acidic and polar, with lysine, which is basic and polar, at codon 200 of the PRX protein (p.Glu200Lys).

NM_181882.3(PRX):c.598G>A (p.Glu200Lys)

Gene: PRX (periaxin; minus strand). Cytogenetic location: 19q13.2.
Variant type: single nucleotide variant.
Coding change: c.598G>A on transcript NM_181882.3 (MANE Select); coding-DNA position 598, G replaced by A.
Protein change: p.Glu200Lys; replaces glutamic acid 200 with lysine.
Molecular consequence: missense variant. On other transcripts: 3 prime UTR variant (1).
Genome position (GRCh38, 1-based): chr19:40,397,754, C>T on the plus strand (G>A on the coding strand, the complement: PRX is on the minus strand). VCF-style: chr19-40397754-C-T. GRCh37 (hg19) VCF-style: chr19-40903661-C-T.
Other names: c.*803G>A (NM_020956.2); short protein forms E200K.
Identifiers: ClinVar variation 941162 (VCV000941162.9), dbSNP rs767207935, ClinGen allele CA9444418.